The following is an entry in ClinVar:

ClinVar aggregate classification (germline): Uncertain significance. Review status: criteria provided, multiple submitters, no conflicts (2 of 4 stars). 2 submissions from 2 submitters: Uncertain significance (2). Last evaluated 2026-01-09.

Conditions:
Cardiovascular phenotype. Identifiers: MedGen CN230736.
Dilated cardiomyopathy 1W (CMD1W). Identifiers: Orphanet 154, MedGen C1969639, MONDO:0012667, OMIM 611407.

Allele frequency attached by ClinVar (database versions not stated): gnomAD exomes below 0.00001; ExAC 0.00001; gnomAD 0.00001; TOPMed 0.00001.

Submissions (2):

Ambry Genetics
Classification: Uncertain significance for Cardiovascular phenotype. Last evaluated: 2026-01-09. Review status: criteria provided, single submitter. Criteria: Ambry Variant Classification Scheme 2023. Collection method: clinical testing. Allele origin: germline.
Comment: The c.2829delT variant, located in coding exon 19 of the VCL gene, results from a deletion of one nucleotide at nucleotide position 2829, causing a translational frameshift with a predicted alternate stop codon (p.D944Tfs*12). This alteration is expected to result in protein truncation or nonsense-mediated mRNA decay. However, loss of function has not been established as a mechanism of disease. Based on the available evidence, the clinical significance of this alteration remains unclear.

Labcorp Genetics (formerly Invitae), Labcorp
Classification: Uncertain significance for Dilated cardiomyopathy 1W. Last evaluated: 2021-07-20. Review status: criteria provided, single submitter. Criteria: Invitae Variant Classification Sherloc (09022015). Collection method: clinical testing. Allele origin: germline.
Comment: In summary, the available evidence is currently insufficient to determine the role of this variant in disease. Therefore, it has been classified as a Variant of Uncertain Significance. Experimental studies and prediction algorithms are not available or were not evaluated, and the functional significance of this variant is currently unknown. This variant has not been reported in the literature in individuals affected with VCL-related conditions. The frequency data for this variant in the population databases is considered unreliable, as metrics indicate poor data quality at this position in the ExAC database. This sequence change creates a premature translational stop signal (p.Asp944Thrfs*12) in the VCL gene. It is expected to result in an absent or disrupted protein product. However, the current clinical and genetic evidence is not sufficient to establish whether loss-of-function variants in VCL cause disease.

NM_014000.3(VCL):c.2829del (p.Asp944fs)

Gene: VCL (vinculin; plus strand). Cytogenetic location: 10q22.2.
Variant type: Deletion.
Coding change: c.2829del on transcript NM_014000.3 (MANE Select); coding-DNA position 2829, one base deleted (T; older notation c.2829delT).
Protein change: p.Asp944fs; shifts the reading frame from aspartic acid 944.
Molecular consequence: frameshift variant. On other transcripts: intron variant (1).
Genome position (GRCh38, 1-based): chr10:74,111,992, T deleted. VCF-style (leftmost placement, unchanged base first): chr10-74111991-CT-C. GRCh37 (hg19) VCF-style: chr10-75871749-CT-C.
Other names: c.2829delT (NM_014000.2); c.2746-2192del (NM_003373.4); short protein forms D944fs.
Identifiers: ClinVar variation 1426741 (VCV001426741.6), dbSNP rs750347797, ClinGen allele CA5563318.
Genomic context (GRCh38, chr10:74,111,991, plus strand): 5'-TGGGTATAGGTGTTGTAGCTGAGGCAGATGCGGCCGATGCTGCTGGCTTCCCTGTCCCCC[CT>C]GACATGGAAGACGATTACGAACCTGAGCTGCTGTTAATGCCATCCAATCAGCCGGTCAAC-3'